The following is an entry in ClinVar:

ClinVar aggregate classification (germline): Uncertain significance (1 of 4 stars; one submission).

Conditions:
Inborn genetic diseases. Identifiers: MedGen C0950123, MeSH D030342.

gnomAD v4.1: 3 of 1,611,794 alleles (0.00019%); highest among the groups gnomAD compares: Non-Finnish European, 0.00025%; no homozygotes.

Submission:

Ambry Genetics
Classification: Uncertain significance for Inborn genetic diseases. Last evaluated: 2026-04-15. Review status: criteria provided, single submitter. Criteria: Ambry Variant Classification Scheme 2023. Collection method: clinical testing. Allele origin: germline.
Comment: The c.1145A>T (p.E382V) alteration is located in exon 7 (coding exon 7) of the GAN gene. This alteration results from a A to T substitution at nucleotide position 1145, causing the glutamic acid (E) at amino acid position 382 to be replaced by a valine (V). Based on data from gnomAD, the T allele has an overall frequency of <0.001% (1/251446) total alleles studied. The highest observed frequency was 0.001% (1/113724) of European (non-Finnish) alleles. Based on insufficient or conflicting evidence, the clinical significance of this alteration remains unclear.

NM_022041.4(GAN):c.1145A>T (p.Glu382Val)

Gene: GAN (gigaxonin; plus strand). Cytogenetic location: 16q23.2.
Variant type: single nucleotide variant.
Coding change: c.1145A>T on transcript NM_022041.4 (MANE Select); coding-DNA position 1145, A replaced by T.
Protein change: p.Glu382Val; replaces glutamic acid 382 with valine.
Molecular consequence: missense variant.
Genome position (GRCh38, 1-based): chr16:81,363,852, A>T. VCF-style: chr16-81363852-A-T. GRCh37 (hg19) VCF-style: chr16-81397457-A-T.
Other names: c.506A>T, p.Glu169Val (NM_001377486.1); short protein forms E169V, E382V.
Identifiers: ClinVar variation 4871663 (VCV004871663.1).